The following is an entry in ClinVar:

NM_002018.4(FLII):c.3465T>C (p.Asp1155=)

Gene: FLII (FLII actin remodeling protein; minus strand). Cytogenetic location: 17p11.2.
Variant type: single nucleotide variant.
Coding change: c.3465T>C on transcript NM_002018.4 (MANE Select); coding-DNA position 3465, T replaced by C.
Protein change: p.Asp1155=; no amino-acid change (aspartic acid 1155 retained).
Molecular consequence: synonymous variant.
Genome position (GRCh38, 1-based): chr17:18,245,782, A>G on the plus strand (T>C on the coding strand, the complement: FLII is on the minus strand). VCF-style: chr17-18245782-A-G. GRCh37 (hg19) VCF-style: chr17-18149096-A-G.
Other names: c.3432T>C, p.Asp1144= (NM_001256264.2); c.3300T>C, p.Asp1100= (NM_001256265.2).
Identifiers: ClinVar variation 3257634 (VCV003257634.17).

ClinVar aggregate classification (germline): Likely benign (1 of 4 stars; one submission).

gnomAD v4.1: 140 of 1,614,016 alleles (0.0087%); highest among the groups gnomAD compares: Middle Eastern, 0.63%; no homozygotes.

Submission:

CeGaT Center for Human Genetics Tuebingen
Classification: Likely benign. Last evaluated: 2024-07-01. Review status: criteria provided, single submitter. Criteria: CeGaT Center For Human Genetics Tuebingen Variant Classification Criteria Version 2. Collection method: clinical testing. Allele origin: germline. Affected: yes. Observed: 1 variant allele.
Comment: FLII: BP4, BP7